The following is an entry in ClinVar:

NM_000444.6(PHEX):c.1866T>C (p.Tyr622=)

Genes: PHEX (phosphate regulating endopeptidase X-linked; plus strand), PTCHD1-AS (PTCHD1 antisense RNA (head to head); minus strand). Cytogenetic location: Xp22.11.
Variant type: single nucleotide variant.
Coding change: c.1866T>C on transcript NM_000444.6 (MANE Select); coding-DNA position 1866, T replaced by C.
Protein change: p.Tyr622=; no amino-acid change (tyrosine 622 retained).
Molecular consequence: synonymous variant.
Genome position (GRCh38, 1-based): chrX:22,221,710, T>C. VCF-style: chrX-22221710-T-C. GRCh37 (hg19) VCF-style: chrX-22239827-T-C.
Other names: c.1866T>C, p.Tyr622= (NM_001282754.2).
Identifiers: ClinVar variation 385542 (VCV000385542.1), dbSNP rs375441152, ClinGen allele CA16608819.
Genomic context (GRCh38, chrX:22,221,710, plus strand): 5'-GTGGTCTACTGAATCAGAAGAAAAGTTTAAGGAAAAAACAAAATGCATGATTAACCAGTA[T>C]AGCAACTATTATTGGAAGAAAGCTGGCTTAAATGTGAGTACAACTGTGGCTAAGGGGGGC-3'
Protein context (NP_000435.3, residues 612-632): KEKTKCMINQ[Tyr622=]SNYYWKKAGL

ClinVar aggregate classification (germline): Likely benign (1 of 4 stars; one submission).

Allele frequency attached by ClinVar (database versions not stated): gnomAD exomes 0.00001; TOPMed 0.00002; ESP Exome Variant Server 0.00009.
gnomAD v4.1: 9 of 1,205,161 alleles (0.00075%); highest among the groups gnomAD compares: Non-Finnish European, 0.001%; no homozygotes.

Submission:

GeneDx
Classification: Likely benign. Last evaluated: 2016-04-14. Review status: criteria provided, single submitter. Criteria: GeneDx Variant Classification (06012015). Collection method: clinical testing. Allele origin: germline. Affected: yes.
Comment: This variant is considered likely benign or benign based on one or more of the following criteria: it is a conservative change, it occurs at a poorly conserved position in the protein, it is predicted to be benign by multiple in silico algorithms, and/or has population frequency not consistent with disease.